The following is an entry in ClinVar:

ClinVar aggregate classification (germline): Likely benign (0 of 4 stars; one submission).

Conditions:
ADAMTS6-related disorder. Also called: ADAMTS6-related condition.

Allele frequency attached by ClinVar (database versions not stated): 1000 Genomes Project 0.00020; 1000 Genomes Project 30x 0.00031; ESP Exome Variant Server 0.00115; TOPMed 0.00118; gnomAD 0.00133; ExAC 0.00166; gnomAD exomes 0.00204.
gnomAD v4.1: 3,090 of 1,586,452 alleles (0.19%); highest among the groups gnomAD compares: Non-Finnish European, 0.24%; 2 homozygotes.

Submission:

PreventionGenetics, part of Exact Sciences
Classification: Likely benign for ADAMTS6-related condition. Last evaluated: 2023-06-08. Review status: no assertion criteria provided. Collection method: clinical testing. Allele origin: germline.
Comment: This variant is classified as likely benign based on ACMG/AMP sequence variant interpretation guidelines (Richards et al. 2015 PMID: 25741868, with internal and published modifications).

NM_197941.4(ADAMTS6):c.464A>G (p.His155Arg)

Gene: ADAMTS6 (ADAM metallopeptidase with thrombospondin type 1 motif 6; minus strand). Cytogenetic location: 5q12.3.
Variant type: single nucleotide variant.
Coding change: c.464A>G on transcript NM_197941.4 (MANE Select); coding-DNA position 464, A replaced by G.
Protein change: p.His155Arg; replaces histidine 155 with arginine.
Molecular consequence: missense variant. On other transcripts: non-coding transcript variant (1).
Genome position (GRCh38, 1-based): chr5:65,460,337, T>C on the plus strand (A>G on the coding strand, the complement: ADAMTS6 is on the minus strand). VCF-style: chr5-65460337-T-C. GRCh37 (hg19) VCF-style: chr5-64756164-T-C.
Other names: short protein forms H155R.
Identifiers: ClinVar variation 3041474 (VCV003041474.2), dbSNP rs141587320, ClinGen allele CA3283104.